The following is an entry in ClinVar:

ClinVar aggregate classification (germline): Likely pathogenic (1 of 4 stars; one submission).

Conditions:
Osteoporosis, childhood- or juvenile-onset, with developmental delay. Identifiers: MedGen C5676992, MONDO:0859253, OMIM 619884.

Submission:

Clinical Genetics Laboratory, Van Research and Training Hospital
Classification: Likely pathogenic for Osteoporosis, childhood- or juvenile-onset, with developmental delay. Last evaluated: 2026-05-13. Review status: criteria provided, single submitter. Criteria: ACMG Guidelines, 2015. Collection method: clinical testing. Allele origin: germline. Inheritance: Autosomal dominant inheritance. Affected: yes. Observed: 1 variant allele, 1 heterozygote.
Comment: The c.2443_2444del (p.His815CysfsTer2) variant in COPB2 has never been documented in the literature or genetic databases. This variant meets our criteria to be classified as likely pathogenic (PVS1: Null variant in a gene where loss of function is a known mechanism of disease, PM2: Extremely low frequency in gnomAD population databases, and PS2: De novo (paternity and maternity confirmed) in a patient with the disease and no family history).

NM_004766.3(COPB2):c.2443_2444del (p.His815fs)

Gene: COPB2 (coat protein complex I subunit beta 2; minus strand). Cytogenetic location: 3q23.
Variant type: Microsatellite.
Coding change: c.2443_2444del on transcript NM_004766.3 (MANE Select); coding-DNA positions 2443 to 2444, 2 bases deleted (CA; older notation c.2443_2444delCA).
Protein change: p.His815fs; shifts the reading frame from histidine 815.
Molecular consequence: frameshift variant. On other transcripts: non-coding transcript variant (1).
Genome position (GRCh38, 1-based): chr3:139,359,038-139,359,039, TG deleted on the plus strand (CA on the coding strand, the reverse complement: COPB2 is on the minus strand); deleting any 2 consecutive bases within chr3:139,359,038-139,359,042 gives the same sequence; the c. name uses the placement nearest the transcript's 3' end. VCF-style (leftmost placement, unchanged base first): chr3-139359037-ATG-A. GRCh37 (hg19) VCF-style: chr3-139077879-ATG-A.
Other names: c.2356_2357del, p.His786fs (NM_001410834.1); short protein forms H786fs, H815fs.
Identifiers: ClinVar variation 4850861 (VCV004850861.1).